The following is an entry in ClinVar:

ClinVar aggregate classification (germline): Pathogenic (1 of 4 stars; one submission).

Submission:

GeneDx
Classification: Pathogenic. Last evaluated: 2015-03-10. Review status: criteria provided, single submitter. Criteria: GeneDx Variant Classification (06012015). Collection method: clinical testing. Allele origin: germline. Affected: yes.
Comment: The c.3131+2 splice site variant in the TSC2 gene destroys the canonical splice donor site in intron 27. It is predicted to cause abnormal gene splicing, either leading to an abnormal message that is subject to nonsense-mediated mRNA decay, or to an abnormal protein product if the message is used for protein translation. Although this variant has not been previously reported to our knowledge, we consider it to be pathogenic.

NM_000548.5(TSC2):c.3131+2T>A

Gene: TSC2 (TSC complex subunit 2; plus strand). Cytogenetic location: 16p13.3.
Variant type: single nucleotide variant.
Coding change: c.3131+2T>A on transcript NM_000548.5 (MANE Select); the canonical splice donor site of the intron after coding-DNA position 3131, T replaced by A.
Molecular consequence: splice donor variant.
Genome position (GRCh38, 1-based): chr16:2,079,198, T>A. VCF-style: chr16-2079198-T-A. GRCh37 (hg19) VCF-style: chr16-2129199-T-A.
Other names: c.1658+2T>A (NM_001406693.1, NM_001406690.1, NM_001406692.1 and 1 more transcripts); c.3092+2T>A (NM_001406667.1); c.3089+2T>A (NM_001406668.1); c.2531+2T>A (NM_001406680.1, NM_001406683.1, NM_001406682.1); c.2399+2T>A (NM_001406687.1, NM_001318831.2, NM_001406688.1); c.1787+2T>A (NM_001406689.1); c.1655+2T>A (NM_001406691.1, NM_001406697.1, NM_001406695.1 and 1 more transcripts); c.1397+2T>A (NM_001406698.1); and 18 more.
Identifiers: ClinVar variation 379256 (VCV000379256.2), dbSNP rs397515036, ClinGen allele CA16608055.